The following is an entry in ClinVar:

ClinVar aggregate classification (germline): Uncertain significance. Review status: criteria provided, multiple submitters, no conflicts (2 of 4 stars). 2 submissions from 2 submitters: Uncertain significance (2). Last evaluated 2025-10-08.

Allele frequency attached by ClinVar (database versions not stated): gnomAD exomes below 0.00001; TOPMed below 0.00001; gnomAD 0.00001.
gnomAD v4.1: 5 of 1,613,398 alleles (0.00031%); highest among the groups gnomAD compares: South Asian, 0.0011%; no homozygotes.

Submissions (2):

Women's Health and Genetics/Laboratory Corporation of America, LabCorp
Classification: Uncertain significance. Last evaluated: 2025-10-08. Review status: criteria provided, single submitter. Criteria: LabCorp Variant Classification Summary - May 2015. Collection method: clinical testing. Allele origin: germline.
Comment: Variant summary: CNOT1 c.6632A>G (p.Asn2211Ser) results in a conservative amino acid change in the encoded protein sequence. Algorithms developed to predict the effect of missense changes on protein structure and function are either unavailable or do not agree on the potential impact of this missense change. The variant was absent in 251260 control chromosomes. The available data on variant occurrences in the general population are insufficient to allow any conclusion about variant significance. To our knowledge, no occurrence of c.6632A>G in individuals affected with CNOT1-related conditions and no experimental evidence demonstrating its impact on protein function have been reported. ClinVar contains an entry for this variant (Variation ID: 2780547). Based on the evidence outlined above, the variant was classified as uncertain significance.

Labcorp Genetics (formerly Invitae), Labcorp
Classification: Uncertain significance. Last evaluated: 2023-10-10. Review status: criteria provided, single submitter. Criteria: Invitae Variant Classification Sherloc (09022015). Collection method: clinical testing. Allele origin: germline.
Comment: This sequence change replaces asparagine, which is neutral and polar, with serine, which is neutral and polar, at codon 2206 of the CNOT1 protein (p.Asn2206Ser). This variant is not present in population databases (gnomAD no frequency). This variant has not been reported in the literature in individuals affected with CNOT1-related conditions. An algorithm developed to predict the effect of missense changes on protein structure and function (PolyPhen-2) suggests that this variant is likely to be disruptive. In summary, the available evidence is currently insufficient to determine the role of this variant in disease. Therefore, it has been classified as a Variant of Uncertain Significance.

NM_016284.5(CNOT1):c.6632A>G (p.Asn2211Ser)

Gene: CNOT1 (CCR4-NOT transcription complex subunit 1; minus strand). Cytogenetic location: 16q21.
Variant type: single nucleotide variant.
Coding change: c.6632A>G on transcript NM_016284.5 (MANE Select); coding-DNA position 6632, A replaced by G.
Protein change: p.Asn2211Ser; replaces asparagine 2211 with serine.
Molecular consequence: missense variant. On other transcripts: non-coding transcript variant (1).
Genome position (GRCh38, 1-based): chr16:58,525,331, T>C on the plus strand (A>G on the coding strand, the complement: CNOT1 is on the minus strand). VCF-style: chr16-58525331-T-C. GRCh37 (hg19) VCF-style: chr16-58559235-T-C.
Other names: c.6617A>G, p.Asn2206Ser (NM_001265612.2); short protein forms N2206S, N2211S.
Identifiers: ClinVar variation 2780547 (VCV002780547.4), dbSNP rs1242720306, ClinGen allele CA396161118.